The following is an entry in ClinVar:

NM_018429.3(BDP1):c.2374G>A (p.Val792Ile)

Gene: BDP1 (BDP1 general transcription factor IIIB subunit; plus strand). Cytogenetic location: 5q13.2.
Variant type: single nucleotide variant.
Coding change: c.2374G>A on transcript NM_018429.3 (MANE Select); coding-DNA position 2374, G replaced by A.
Protein change: p.Val792Ile; replaces valine 792 with isoleucine.
Molecular consequence: missense variant.
Genome position (GRCh38, 1-based): chr5:71,509,466, G>A. VCF-style: chr5-71509466-G-A. GRCh37 (hg19) VCF-style: chr5-70805293-G-A.
Other names: short protein forms V792I.
Identifiers: ClinVar variation 4204201 (VCV004204201.2).

ClinVar aggregate classification (germline): Conflicting classifications of pathogenicity. Review status: criteria provided, conflicting classifications (1 of 4 stars). 2 submissions from 2 submitters: Uncertain significance (1); Likely benign (1). Last evaluated 2025-08-14.

Conditions:
BDP1-related disorder. Also called: BDP1-related condition.

gnomAD v4.1: 107 of 1,561,216 alleles (0.0069%); highest among the groups gnomAD compares: South Asian, 0.097%; 1 homozygote.

Submissions (2):

PreventionGenetics, part of Exact Sciences
Classification: Uncertain significance for BDP1-related condition. Last evaluated: 2025-08-14. Review status: criteria provided, single submitter. Criteria: ACMG Guidelines, 2015. Collection method: clinical testing. Allele origin: germline.
Comment: The BDP1 c.2374G>A variant is predicted to result in the amino acid substitution p.Val792Ile. To our knowledge, this variant has not been reported in the literature. This variant is reported in 0.084% of alleles in individuals of South Asian descent in gnomAD. Although we suspect that this variant may be benign, at this time, the clinical significance of this variant is uncertain due to the absence of conclusive functional and genetic evidence.

Ambry Genetics
Classification: Likely benign. Last evaluated: 2025-07-12. Review status: criteria provided, single submitter. Criteria: Ambry Variant Classification Scheme 2023. Collection method: clinical testing. Allele origin: germline.